The following is an entry in ClinVar:

ClinVar aggregate classification (germline): Pathogenic (1 of 4 stars; one submission).

Conditions:
Perlman syndrome (PRLMNS). Identifiers: Orphanet 2849, MedGen C0796113, MONDO:0009965, OMIM 267000.

Submission:

Labcorp Genetics (formerly Invitae), Labcorp
Classification: Pathogenic for Perlman syndrome. Last evaluated: 2023-02-01. Review status: criteria provided, single submitter. Criteria: Invitae Variant Classification Sherloc (09022015). Collection method: clinical testing. Allele origin: germline.
Comment: For these reasons, this variant has been classified as Pathogenic. This variant has not been reported in the literature in individuals affected with DIS3L2-related conditions. This variant is a gross deletion of the genomic region encompassing exon(s) 2-5 of the DIS3L2 gene, which includes the initiator codon. This deletion extends beyond the assayed region for this gene and therefore may encompass additional genes. It is expected to result in an absent or disrupted protein product. Loss-of-function variants in DIS3L2 are known to be pathogenic (PMID: 22306653, 28328139).

Literature cited by the submitters: PubMed 22306653; PubMed 28328139.

NC_000002.11:g.(?_232879638)_(232894800_?)del

Gene: DIS3L2 (DIS3 like 3'-5' exoribonuclease 2; plus strand). Cytogenetic location: 2q37.1.
Variant type: Deletion.
Identifiers: ClinVar variation 2427366 (VCV002427366.4).